The following is an entry in ClinVar:

NM_018646.6(TRPV6):c.2035C>G (p.Leu679Val)

Gene: TRPV6 (transient receptor potential cation channel subfamily V member 6; minus strand). Cytogenetic location: 7q34.
Variant type: single nucleotide variant.
Coding change: c.2035C>G on transcript NM_018646.6 (MANE Select); coding-DNA position 2035, C replaced by G.
Protein change: p.Leu679Val; replaces leucine 679 with valine.
Molecular consequence: missense variant.
Genome position (GRCh38, 1-based): chr7:142,871,970, G>C on the plus strand (C>G on the coding strand, the complement: TRPV6 is on the minus strand). VCF-style: chr7-142871970-G-C. GRCh37 (hg19) VCF-style: chr7-142569723-G-C.
Other names: short protein forms L679V.
Identifiers: ClinVar variation 3013101 (VCV003013101.3), dbSNP rs898685290, ClinGen allele CA168189738.

ClinVar aggregate classification (germline): Uncertain significance (1 of 4 stars; one submission).

Allele frequency attached by ClinVar (database versions not stated): TOPMed 0.00002; gnomAD 0.00003.

Submission:

Labcorp Genetics (formerly Invitae), Labcorp
Classification: Uncertain significance. Last evaluated: 2024-07-23. Review status: criteria provided, single submitter. Criteria: Invitae Variant Classification Sherloc (09022015). Collection method: clinical testing. Allele origin: germline.
Comment: This sequence change replaces leucine, which is neutral and non-polar, with valine, which is neutral and non-polar, at codon 679 of the TRPV6 protein (p.Leu679Val). This variant is present in population databases (no rsID available, gnomAD 0.004%). This variant has not been reported in the literature in individuals affected with TRPV6-related conditions. Experimental studies and prediction algorithms are not available or were not evaluated, and the functional significance of this variant is currently unknown. In summary, the available evidence is currently insufficient to determine the role of this variant in disease. Therefore, it has been classified as a Variant of Uncertain Significance.